The following is an entry in ClinVar:

ClinVar aggregate classification (germline): Uncertain significance. Review status: criteria provided, multiple submitters, no conflicts (2 of 4 stars). 2 submissions from 2 submitters: Uncertain significance (2). Last evaluated 2023-11-21.

Conditions:
Inborn genetic diseases. Identifiers: MedGen C0950123, MeSH D030342.

Allele frequency attached by ClinVar (database versions not stated): gnomAD exomes 0.00001; ExAC 0.00002; gnomAD 0.00003; TOPMed 0.00003.
gnomAD v4.1: 14 of 1,610,376 alleles (0.00087%); highest among the groups gnomAD compares: Admixed American, 0.0033%; no homozygotes.

Submissions (2):

Ambry Genetics
Classification: Uncertain significance for Inborn genetic diseases. Last evaluated: 2023-11-21. Review status: criteria provided, single submitter. Criteria: Ambry Variant Classification Scheme 2023. Collection method: clinical testing. Allele origin: germline.

GeneDx
Classification: Uncertain significance. Last evaluated: 2019-05-07. Review status: criteria provided, single submitter. Criteria: GeneDx Variant Classification Process June 2021. Collection method: clinical testing. Allele origin: germline. Affected: yes.
Comment: In silico analysis, which includes protein predictors and evolutionary conservation, supports a deleterious effect; Has not been previously published as pathogenic or benign to our knowledge

NM_004380.3(CREBBP):c.7031G>A (p.Arg2344Gln)

Gene: CREBBP (CREB binding protein; minus strand). Cytogenetic location: 16p13.3.
Variant type: single nucleotide variant.
Coding change: c.7031G>A on transcript NM_004380.3 (MANE Select); coding-DNA position 7031, G replaced by A.
Protein change: p.Arg2344Gln; replaces arginine 2344 with glutamine.
Molecular consequence: missense variant.
Genome position (GRCh38, 1-based): chr16:3,728,016, C>T on the plus strand (G>A on the coding strand, the complement: CREBBP is on the minus strand). VCF-style: chr16-3728016-C-T. GRCh37 (hg19) VCF-style: chr16-3778017-C-T.
Other names: c.6917G>A, p.Arg2306Gln (NM_001079846.1); short protein forms R2306Q, R2344Q.
Identifiers: ClinVar variation 1305684 (VCV001305684.3), dbSNP rs753595183, ClinGen allele CA7868960.